The following is an entry in ClinVar:

NM_000051.4(ATM):c.8819del (p.Asn2940fs)

Genes: ATM (ATM serine/threonine kinase; plus strand), C11orf65 (chromosome 11 open reading frame 65; minus strand). Cytogenetic location: 11q22.3.
Variant type: Deletion.
Coding change: c.8819del on transcript NM_000051.4 (MANE Select); coding-DNA position 8819, one base deleted (A; older notation c.8819delA).
Protein change: p.Asn2940fs; shifts the reading frame from asparagine 2940.
Molecular consequence: frameshift variant. On other transcripts: intron variant (2).
Genome position (GRCh38, 1-based): chr11:108,354,843, A deleted; the last of 3 consecutive A bases (chr11:108,354,841-108,354,843); deleting any one gives the same sequence. VCF-style (leftmost placement, unchanged base first): chr11-108354840-GA-G. GRCh37 (hg19) VCF-style: chr11-108225567-GA-G.
Other names: c.8819del, p.Asn2940fs (NM_001351834.2); c.640+31079del (NM_001330368.2); c.695-19549del (NM_001351110.2); short protein forms N2940fs.
Identifiers: ClinVar variation 4845642 (VCV004845642.2).

ClinVar aggregate classification (germline): Pathogenic/Likely pathogenic. Review status: criteria provided, multiple submitters, no conflicts (2 of 4 stars). 2 submissions from 2 submitters: Pathogenic (1); Likely pathogenic (1). Last evaluated 2026-07-23.

Conditions:
Familial cancer of breast. Also called: BREAST CANCER, FAMILIAL; Hereditary breast cancer; hereditary breast carcinoma. Identifiers: Orphanet 227535, MedGen C0346153, MONDO:0016419, OMIM 114480. Disease mechanism: loss of function.

Submissions (2):

Myriad Genetics, Inc.
Classification: Pathogenic for Familial cancer of breast. Last evaluated: 2026-07-23. Review status: criteria provided, single submitter. Criteria: Myriad Autosomal Dominant, Autosomal Recessive and X-Linked Classification Criteria (2023). Collection method: clinical testing. Allele origin: unknown.
Comment: This variant is considered pathogenic. This variant creates a frameshift predicted to result in premature protein truncation.

Genesis Genomics
Classification: Likely pathogenic for Familial cancer of breast. Review status: criteria provided, single submitter. Criteria: ACMG Guidelines, 2015. Collection method: clinical testing. Allele origin: germline. Affected: yes. Observed: 1 variant allele.